The following is an entry in ClinVar:

NM_001271.4(CHD2):c.5344C>G (p.Pro1782Ala)

Gene: CHD2 (chromodomain helicase DNA binding protein 2; plus strand). Cytogenetic location: 15q26.1.
Variant type: single nucleotide variant.
Coding change: c.5344C>G on transcript NM_001271.4 (MANE Select); coding-DNA position 5344, C replaced by G.
Protein change: p.Pro1782Ala; replaces proline 1782 with alanine.
Molecular consequence: missense variant.
Genome position (GRCh38, 1-based): chr15:93,024,562, C>G. VCF-style: chr15-93024562-C-G. GRCh37 (hg19) VCF-style: chr15-93567792-C-G.
Other names: short protein forms P1782A.
Identifiers: ClinVar variation 3636705 (VCV003636705.2).

ClinVar aggregate classification (germline): Uncertain significance (1 of 4 stars; one submission).

Conditions:
Developmental and epileptic encephalopathy 94 (DEE94). Also called: Epileptic encephalopathy, childhood-onset; CHD2-Related Neurodevelopmental Disorders. Identifiers: Orphanet 1942, Orphanet 2382, MedGen C3809278, MONDO:0014150, OMIM 615369.

Submission:

Labcorp Genetics (formerly Invitae), Labcorp
Classification: Uncertain significance for Developmental and epileptic encephalopathy 94. Last evaluated: 2024-09-15. Review status: criteria provided, single submitter. Criteria: Invitae Variant Classification Sherloc (09022015). Collection method: clinical testing. Allele origin: germline.
Comment: This sequence change replaces proline, which is neutral and non-polar, with alanine, which is neutral and non-polar, at codon 1782 of the CHD2 protein (p.Pro1782Ala). This variant is not present in population databases (gnomAD no frequency). This variant has not been reported in the literature in individuals affected with CHD2-related conditions. Invitae Evidence Modeling of protein sequence and biophysical properties (such as structural, functional, and spatial information, amino acid conservation, physicochemical variation, residue mobility, and thermodynamic stability) indicates that this missense variant is not expected to disrupt CHD2 protein function with a negative predictive value of 95%. In summary, the available evidence is currently insufficient to determine the role of this variant in disease. Therefore, it has been classified as a Variant of Uncertain Significance.